The following is an entry in ClinVar:

ClinVar aggregate classification (germline): Likely pathogenic (1 of 4 stars; one submission).

Submission:

Dasa
Classification: Likely pathogenic. Last evaluated: 2025-04-24. Review status: criteria provided, single submitter. Criteria: DASA Assertion Criteria. Collection method: clinical testing. Allele origin: germline.
Comment: NM_004530.6(MMP2):c.1411C>T (p.Gln471*) is a nonsense variant in MMP2 predicted to introduce a premature termination codon and is predicted to result in an absent or altered protein product. Loss of function is an established disease mechanism for MMP2-associated disorders. Also, this variant is absent from population databases. Based on the currently available evidence, this variant is classified as likely pathogenic.

NM_004530.6(MMP2):c.1411C>T (p.Gln471Ter)

Gene: MMP2 (matrix metallopeptidase 2; plus strand). Cytogenetic location: 16q12.2.
Variant type: single nucleotide variant.
Coding change: c.1411C>T on transcript NM_004530.6 (MANE Select); coding-DNA position 1411, C replaced by T.
Protein change: p.Gln471Ter; replaces glutamine 471 with a stop codon.
Molecular consequence: nonsense.
Genome position (GRCh38, 1-based): chr16:55,493,232, C>T. VCF-style: chr16-55493232-C-T. GRCh37 (hg19) VCF-style: chr16-55527144-C-T.
Other names: c.1261C>T, p.Gln421Ter (NM_001127891.3); c.1183C>T, p.Gln395Ter (NM_001302508.1, NM_001302509.2, NM_001302510.2); short protein forms Q395*, Q421*, Q471*.
Identifiers: ClinVar variation 4884160 (VCV004884160.2).